The following is an entry in ClinVar:

NM_001322934.2(NFKB2):c.29A>G (p.Asp10Gly)

Genes: NFKB2 (nuclear factor kappa B subunit 2; plus strand), LOC130004598 (ATAC-STARR-seq lymphoblastoid active region 3929; plus strand). Cytogenetic location: 10q24.32.
Variant type: single nucleotide variant.
Coding change: c.29A>G on transcript NM_001322934.2 (MANE Select); coding-DNA position 29, A replaced by G.
Protein change: p.Asp10Gly; replaces aspartic acid 10 with glycine.
Molecular consequence: missense variant.
Genome position (GRCh38, 1-based): chr10:102,396,260, A>G. VCF-style: chr10-102396260-A-G. GRCh37 (hg19) VCF-style: chr10-104156017-A-G.
Other names: c.29A>G, p.Asp10Gly (NM_001077493.1, NM_001077494.3, NM_001261403.3 and 3 more transcripts); short protein forms D10G.
Identifiers: ClinVar variation 2787729 (VCV002787729.3), dbSNP rs1167402841, ClinGen allele CA377895740.
Genomic context (GRCh38, chr10:102,396,260, plus strand): 5'-GCTGTGGGGGGTGCTGAGAGTCGGATGCCACCCCCAGTCTGTCTCCAAACCAGGGTCTGG[A>G]TGGTATTATTGAATATGATGATTTCAAATTGAACTCCTCCATTGTGGAACCCAAGGAGCC-3'
Protein context (NP_001309863.1, residues 1-20): MESCYNPGL[Asp10Gly]GIIEYDDFKL

ClinVar aggregate classification (germline): Uncertain significance (1 of 4 stars; one submission).

Conditions:
Immunodeficiency, common variable, 10. Also called: DEFICIT IN ANTERIOR PITUITARY FUNCTION AND VARIABLE IMMUNODEFICIENCY; IMMUNODEFICIENCY, COMMON VARIABLE, WITH CENTRAL ADRENAL INSUFFICIENCY. Identifiers: MedGen C3809991, MONDO:0014260, OMIM 615577.

Allele frequency attached by ClinVar (database versions not stated): gnomAD exomes below 0.00001; TOPMed below 0.00001.
gnomAD v4.1: 2 of 1,607,110 alleles (0.00012%); highest among the groups gnomAD compares: Admixed American, 0.0017%; no homozygotes.

Submission:

Labcorp Genetics (formerly Invitae), Labcorp
Classification: Uncertain significance for Immunodeficiency, common variable, 10. Last evaluated: 2023-02-14. Review status: criteria provided, single submitter. Criteria: Invitae Variant Classification Sherloc (09022015). Collection method: clinical testing. Allele origin: germline.
Comment: In summary, the available evidence is currently insufficient to determine the role of this variant in disease. Therefore, it has been classified as a Variant of Uncertain Significance. Algorithms developed to predict the effect of sequence changes on RNA splicing suggest that this variant may disrupt the consensus splice site. Algorithms developed to predict the effect of missense changes on protein structure and function (SIFT, PolyPhen-2, Align-GVGD) all suggest that this variant is likely to be tolerated. This variant has not been reported in the literature in individuals affected with NFKB2-related conditions. The frequency data for this variant in the population databases is considered unreliable, as metrics indicate poor data quality at this position in the gnomAD database. This sequence change replaces aspartic acid, which is acidic and polar, with glycine, which is neutral and non-polar, at codon 10 of the NFKB2 protein (p.Asp10Gly).